The following is an entry in ClinVar:

ClinVar aggregate classification (germline): Uncertain significance. Review status: criteria provided, multiple submitters, no conflicts (2 of 4 stars). 2 submissions from 2 submitters: Uncertain significance (2). Last evaluated 2022-09-12.

Conditions:
Inborn genetic diseases. Identifiers: MedGen C0950123, MeSH D030342.
Charcot-Marie-Tooth disease recessive intermediate C. Also called: CHARCOT-MARIE-TOOTH NEUROPATHY, RECESSIVE INTERMEDIATE C. Identifiers: Orphanet 369867, MedGen C3809309, MONDO:0014154, OMIM 615376.
Neuronopathy, distal hereditary motor, autosomal recessive 4. Also called: Autosomal recessive lower motor neuron disease with childhood onset; NEUROPATHY, DISTAL HEREDITARY MOTOR, AUTOSOMAL RECESSIVE 4. Identifiers: Orphanet 206580, MedGen C1970211, MONDO:0012608, OMIM 611067.

Allele frequency attached by ClinVar (database versions not stated): TOPMed 0.00003.
gnomAD v4.1: 56 of 1,607,622 alleles (0.0035%); highest among the groups gnomAD compares: African/African-American, 0.013%; no homozygotes.

Submissions (2):

Ambry Genetics
Classification: Uncertain significance for Inborn genetic diseases. Last evaluated: 2022-09-12. Review status: criteria provided, single submitter. Criteria: Ambry Variant Classification Scheme 2023. Collection method: clinical testing. Allele origin: germline.
Comment: The p.R190H variant (also known as c.569G>A), located in coding exon 6 of the PLEKHG5 gene, results from a G to A substitution at nucleotide position 569. The arginine at codon 190 is replaced by histidine, an amino acid with highly similar properties. This amino acid position is conserved. In addition, the in silico prediction for this alteration is inconclusive. Since supporting evidence is limited at this time, the clinical significance of this alteration remains unclear.

Labcorp Genetics (formerly Invitae), Labcorp
Classification: Uncertain significance for Neuronopathy, distal hereditary motor, autosomal recessive 4; Charcot-Marie-Tooth disease recessive intermediate C. Last evaluated: 2022-05-27. Review status: criteria provided, single submitter. Criteria: Invitae Variant Classification Sherloc (09022015). Collection method: clinical testing. Allele origin: germline.
Comment: This sequence change replaces arginine, which is basic and polar, with histidine, which is basic and polar, at codon 190 of the PLEKHG5 protein (p.Arg190His). This variant is present in population databases (rs770010475, gnomAD 0.01%). This variant has not been reported in the literature in individuals affected with PLEKHG5-related conditions. ClinVar contains an entry for this variant (Variation ID: 655300). Algorithms developed to predict the effect of missense changes on protein structure and function are either unavailable or do not agree on the potential impact of this missense change (SIFT: "Tolerated"; PolyPhen-2: "Possibly Damaging"; Align-GVGD: "Class C0"). In summary, the available evidence is currently insufficient to determine the role of this variant in disease. Therefore, it has been classified as a Variant of Uncertain Significance.

NM_020631.6(PLEKHG5):c.569G>A (p.Arg190His)

Gene: PLEKHG5 (pleckstrin homology and RhoGEF domain containing G5; minus strand). Cytogenetic location: 1p36.31.
Variant type: single nucleotide variant.
Coding change: c.569G>A on transcript NM_020631.6 (MANE Select); coding-DNA position 569, G replaced by A.
Protein change: p.Arg190His; replaces arginine 190 with histidine.
Molecular consequence: missense variant.
Genome position (GRCh38, 1-based): chr1:6,474,035, C>T on the plus strand (G>A on the coding strand, the complement: PLEKHG5 is on the minus strand). VCF-style: chr1-6474035-C-T. GRCh37 (hg19) VCF-style: chr1-6534095-C-T.
Other names: c.680G>A, p.Arg227His (NM_001042663.3, NM_001265592.2); c.569G>A, p.Arg190His (NM_001042664.2, NM_001042665.2, NM_001265594.3 and 1 more transcripts); c.776G>A, p.Arg259His (NM_001265593.2); short protein forms R259H, R190H, R227H.
Identifiers: ClinVar variation 655300 (VCV000655300.8), dbSNP rs770010475, ClinGen allele CA561805.